The following is an entry in ClinVar:

ClinVar aggregate classification (germline): Uncertain significance (1 of 4 stars; one submission).

Conditions:
Neuroblastoma, susceptibility to, 3. Also called: ALK-Related Neuroblastic Tumor Susceptibility. Identifiers: Orphanet 635, MedGen C2751681, MONDO:0013083, OMIM 613014.

Submission:

Labcorp Genetics (formerly Invitae), Labcorp
Classification: Uncertain significance for Neuroblastoma, susceptibility to, 3. Last evaluated: 2022-04-25. Review status: criteria provided, single submitter. Criteria: Invitae Variant Classification Sherloc (09022015). Collection method: clinical testing. Allele origin: germline.
Comment: In summary, the available evidence is currently insufficient to determine the role of this variant in disease. Therefore, it has been classified as a Variant of Uncertain Significance. This sequence change replaces cysteine, which is neutral and slightly polar, with arginine, which is basic and polar, at codon 272 of the ALK protein (p.Cys272Arg). This variant is not present in population databases (gnomAD no frequency). This variant has not been reported in the literature in individuals affected with ALK-related conditions. Algorithms developed to predict the effect of missense changes on protein structure and function are either unavailable or do not agree on the potential impact of this missense change (SIFT: "Deleterious"; PolyPhen-2: "Probably Damaging"; Align-GVGD: "Class C0").

NM_004304.5(ALK):c.814T>C (p.Cys272Arg)

Gene: ALK (ALK receptor tyrosine kinase; minus strand). Cytogenetic location: 2p23.2.
Variant type: single nucleotide variant.
Coding change: c.814T>C on transcript NM_004304.5 (MANE Select); coding-DNA position 814, T replaced by C.
Protein change: p.Cys272Arg; replaces cysteine 272 with arginine.
Molecular consequence: missense variant.
Genome position (GRCh38, 1-based): chr2:29,694,988, A>G on the plus strand (T>C on the coding strand, the complement: ALK is on the minus strand). VCF-style: chr2-29694988-A-G. GRCh37 (hg19) VCF-style: chr2-29917854-A-G.
Other names: short protein forms C272R.
Identifiers: ClinVar variation 2180826 (VCV002180826.4), dbSNP rs2465367511, ClinGen allele CA346587091.